The following is an entry in ClinVar:

NM_000059.4(BRCA2):c.8084C>G (p.Ser2695Ter)

Gene: BRCA2 (BRCA2 DNA repair associated; plus strand). Cytogenetic location: 13q13.1.
Variant type: single nucleotide variant.
Coding change: c.8084C>G on transcript NM_000059.4 (MANE Select); coding-DNA position 8084, C replaced by G.
Protein change: p.Ser2695Ter; replaces serine 2695 with a stop codon.
Molecular consequence: nonsense.
Genome position (GRCh38, 1-based): chr13:32,363,286, C>G. VCF-style: chr13-32363286-C-G. GRCh37 (hg19) VCF-style: chr13-32937423-C-G.
Other names: 8312C>G; short protein forms S2695*.
Identifiers: ClinVar variation 52499 (VCV000052499.7), dbSNP rs80359048, ClinGen allele CA025443.

ClinVar aggregate classification (germline): Pathogenic. Review status: reviewed by expert panel (3 of 4 stars). 4 submissions from 4 submitters: Pathogenic (1). 3 of the submissions do not count toward it. Last evaluated 2016-04-22.

Conditions:
Hereditary cancer-predisposing syndrome. Also called: Neoplastic Syndromes, Hereditary; Tumor predisposition; Hereditary neoplastic syndrome; Hereditary Cancer Syndrome. Identifiers: Orphanet 140162, MedGen C0027672, MeSH D009386, MONDO:0015356.
Breast-ovarian cancer, familial, susceptibility to, 2 (BROVCA2). Also called: BRCA2 Hereditary Breast and Ovarian Cancer. Identifiers: Orphanet 145, MedGen C2675520, MONDO:0012933, OMIM 612555. Disease mechanism: loss of function.

Submissions (4):

Evidence-based Network for the Interpretation of Germline Mutant Alleles (ENIGMA)
Classification: Pathogenic for Breast-ovarian cancer, familial, susceptibility to, 2. Last evaluated: 2016-04-22. Review status: reviewed by expert panel. Criteria: ENIGMA BRCA1/2 Classification Criteria (2015). Collection method: curation. Allele origin: germline.
Comment: Variant allele predicted to encode a truncated non-functional protein.

Ambry Genetics
Classification: Pathogenic for Hereditary cancer-predisposing syndrome. Last evaluated: 2022-09-14. Review status: criteria provided, single submitter. Criteria: Ambry Variant Classification Scheme 2023. Collection method: clinical testing. Allele origin: germline. Not counted in ClinVar's aggregate classification.
Comment: The p.S2695* pathogenic mutation (also known as c.8084C>G), located in coding exon 17 of the BRCA2 gene, results from a C to G substitution at nucleotide position 8084. This changes the amino acid from a serine to a stop codon within coding exon 17. This alteration was identified in a large, worldwide study of BRCA1/2 mutation positive families (Rebbeck TR et al. Hum Mutat, 2018 05;39:593-620). This variant is considered to be rare based on population cohorts in the Genome Aggregation Database (gnomAD). In addition to the clinical data presented in the literature, this alteration is expected to result in loss of function by premature protein truncation or nonsense-mediated mRNA decay. As such, this alteration is interpreted as a disease-causing mutation.

Consortium of Investigators of Modifiers of BRCA1/2 (CIMBA), c/o University of Cambridge
Classification: Pathogenic for Breast-ovarian cancer, familial, susceptibility to, 2. Last evaluated: 2015-10-02. Review status: criteria provided, single submitter. Criteria: CIMBA Mutation Classification guidelines May 2016. Collection method: clinical testing. Allele origin: germline. Not counted in ClinVar's aggregate classification.

Breast Cancer Information Core (BIC) (BRCA2)
Classification: Pathogenic for Breast-ovarian cancer, familial 2. Last evaluated: 2002-05-29. Review status: no assertion criteria provided. Collection method: clinical testing. Allele origin: germline. Affected: yes. Observed: 1 variant allele. Not counted in ClinVar's aggregate classification.

Literature cited by the submitters: PubMed 29446198 (cited by Ambry Genetics).